The following is an entry in ClinVar:

NM_002227.4(JAK1):c.700C>A (p.Leu234Ile)

Gene: JAK1 (Janus kinase 1; minus strand). Cytogenetic location: 1p31.3.
Variant type: single nucleotide variant.
Coding change: c.700C>A on transcript NM_002227.4 (MANE Select); coding-DNA position 700, C replaced by A.
Protein change: p.Leu234Ile; replaces leucine 234 with isoleucine.
Molecular consequence: missense variant.
Genome position (GRCh38, 1-based): chr1:64,867,156, G>T on the plus strand (C>A on the coding strand, the complement: JAK1 is on the minus strand). VCF-style: chr1-64867156-G-T. GRCh37 (hg19) VCF-style: chr1-65332839-G-T.
Other names: c.700C>A, p.Leu234Ile (NM_001320923.2, NM_001321852.2, NM_001321853.2 and 4 more transcripts); short protein forms L234I.
Identifiers: ClinVar variation 2134533 (VCV002134533.4), dbSNP rs1011933184, ClinGen allele CA340676116.

ClinVar aggregate classification (germline): Uncertain significance (1 of 4 stars; one submission).

Submission:

Labcorp Genetics (formerly Invitae), Labcorp
Classification: Uncertain significance. Last evaluated: 2022-10-06. Review status: criteria provided, single submitter. Criteria: Invitae Variant Classification Sherloc (09022015). Collection method: clinical testing. Allele origin: germline.
Comment: In summary, the available evidence is currently insufficient to determine the role of this variant in disease. Therefore, it has been classified as a Variant of Uncertain Significance. Advanced modeling of protein sequence and biophysical properties (such as structural, functional, and spatial information, amino acid conservation, physicochemical variation, residue mobility, and thermodynamic stability) performed at Invitae indicates that this missense variant is not expected to disrupt JAK1 protein function. This variant has not been reported in the literature in individuals affected with JAK1-related conditions. This variant is not present in population databases (gnomAD no frequency). This sequence change replaces leucine, which is neutral and non-polar, with isoleucine, which is neutral and non-polar, at codon 234 of the JAK1 protein (p.Leu234Ile).